The following is an entry in ClinVar:

ClinVar aggregate classification (germline): Uncertain significance. Review status: criteria provided, multiple submitters, no conflicts (2 of 4 stars). 3 submissions from 3 submitters: Uncertain significance (3). Last evaluated 2025-05-07.

Conditions:
Inborn genetic diseases. Identifiers: MedGen C0950123, MeSH D030342.
Cryptosporidiosis-chronic cholangitis-liver disease syndrome. Also called: Immunodeficiency type 56; IL21R immunodeficiency. Identifiers: Orphanet 357329, MedGen C3554687, MONDO:0014082, OMIM 615207.

Allele frequency attached by ClinVar (database versions not stated): gnomAD 0.00002 and 0.00001; gnomAD exomes 0.00003 and 0.00007; ExAC 0.00004; TOPMed 0.00005.
gnomAD v4.1: 60 of 1,613,076 alleles (0.0037%); highest among the groups gnomAD compares: East Asian, 0.018%; no homozygotes.

Submissions (3):

Ambry Genetics
Classification: Uncertain significance for Inborn genetic diseases. Last evaluated: 2025-05-07. Review status: criteria provided, single submitter. Criteria: Ambry Variant Classification Scheme 2023. Collection method: clinical testing. Allele origin: germline.

Labcorp Genetics (formerly Invitae), Labcorp
Classification: Uncertain significance for Cryptosporidiosis-chronic cholangitis-liver disease syndrome. Last evaluated: 2024-02-24. Review status: criteria provided, single submitter. Criteria: Invitae Variant Classification Sherloc (09022015). Collection method: clinical testing. Allele origin: germline.
Comment: This sequence change replaces proline, which is neutral and non-polar, with leucine, which is neutral and non-polar, at codon 325 of the IL21R protein (p.Pro325Leu). This variant is present in population databases (rs569320047, gnomAD 0.04%). This variant has not been reported in the literature in individuals affected with IL21R-related conditions. ClinVar contains an entry for this variant (Variation ID: 1478917). Advanced modeling of protein sequence and biophysical properties (such as structural, functional, and spatial information, amino acid conservation, physicochemical variation, residue mobility, and thermodynamic stability) performed at Invitae indicates that this missense variant is not expected to disrupt IL21R protein function with a negative predictive value of 80%. In summary, the available evidence is currently insufficient to determine the role of this variant in disease. Therefore, it has been classified as a Variant of Uncertain Significance.

Neuberg Centre For Genomic Medicine, NCGM
Classification: Uncertain significance for Cryptosporidiosis-chronic cholangitis-liver disease syndrome. Review status: criteria provided, single submitter. Criteria: ACMG Guidelines, 2015. Collection method: clinical testing. Allele origin: germline. Inheritance: Autosomal recessive inheritance. Affected: yes.
Comment: The missense variant c.974C>T (p.Pro325Leu) in IL21R gene has not been reported previously as a pathogenic variant nor as a benign variant, to our knowledge. This variant has been reported to the ClinVar database as Uncertain Significance. The p.Pro325Leu variant is reported with allele frequency of 0.006% in gnomAD exomes and novel in 1000 Genomes. The amino acid Pro at position 325 is changed to a Leu changing protein sequence and it might alter its composition and physico-chemical properties. For these reasons, this variant has been classified as Uncertain Significance .

NM_181078.3(IL21R):c.974C>T (p.Pro325Leu)

Genes: IL21R-AS1 (IL21R antisense RNA 1; minus strand), IL21R (interleukin 21 receptor; plus strand). Cytogenetic location: 16p12.1.
Variant type: single nucleotide variant.
Coding change: c.974C>T on transcript NM_181078.3 (MANE Select); coding-DNA position 974, C replaced by T.
Protein change: p.Pro325Leu; replaces proline 325 with leucine.
Molecular consequence: missense variant. On other transcripts: non-coding transcript variant (1).
Genome position (GRCh38, 1-based): chr16:27,448,640, C>T. VCF-style: chr16-27448640-C-T. GRCh37 (hg19) VCF-style: chr16-27459961-C-T.
Other names: c.974C>T, p.Pro325Leu (NM_021798.4); c.1040C>T, p.Pro347Leu (NM_181079.5); c.1040C>T (NM_181079.4); short protein forms P325L, P347L.
Identifiers: ClinVar variation 1478917 (VCV001478917.9), dbSNP rs569320047, ClinGen allele CA7975124.
Genomic context (GRCh38, chr16:27,448,640, plus strand): 5'-CCTGGAGCCCAGAGGTGCCCTCCACCCTGGAGGTGTACAGCTGCCACCCACCACGGAGCC[C>T]GGCCAAGAGGCTGCAGCTCACGGAGCTACAAGAACCAGCAGAGCTGGTGGAGTCTGACGG-3'
Protein context (NP_851564.1, residues 315-335): EVYSCHPPRS[Pro325Leu]AKRLQLTELQ